The following is an entry in ClinVar:

ClinVar aggregate classification (germline): Uncertain significance (1 of 4 stars; one submission).

Conditions:
Inborn genetic diseases. Identifiers: MedGen C0950123, MeSH D030342.

Submission:

Ambry Genetics
Classification: Uncertain significance for Inborn genetic diseases. Last evaluated: 2022-04-05. Review status: criteria provided, single submitter. Criteria: Ambry Variant Classification Scheme 2023. Collection method: clinical testing. Allele origin: germline.
Comment: The p.E1599K variant (also known as c.4795G>A), located in coding exon 33 of the LRRK2 gene, results from a G to A substitution at nucleotide position 4795. The glutamic acid at codon 1599 is replaced by lysine, an amino acid with similar properties. This amino acid position is conserved. In addition, this alteration is predicted to be tolerated by in silico analysis. Since supporting evidence is limited at this time, the clinical significance of this alteration remains unclear.

NM_198578.4(LRRK2):c.4795G>A (p.Glu1599Lys)

Gene: LRRK2 (leucine rich repeat kinase 2; plus strand). Cytogenetic location: 12q12.
Variant type: single nucleotide variant.
Coding change: c.4795G>A on transcript NM_198578.4 (MANE Select); coding-DNA position 4795, G replaced by A.
Protein change: p.Glu1599Lys; replaces glutamic acid 1599 with lysine.
Molecular consequence: missense variant.
Genome position (GRCh38, 1-based): chr12:40,315,268, G>A. VCF-style: chr12-40315268-G-A. GRCh37 (hg19) VCF-style: chr12-40709070-G-A.
Other names: short protein forms E1599K.
Identifiers: ClinVar variation 1743129 (VCV001743129.2), dbSNP rs769271881, ClinGen allele CA384419299.